The following is an entry in ClinVar:

NM_001384732.1(CPLANE1):c.6414C>A (p.Cys2138Ter)

Gene: CPLANE1 (ciliogenesis and planar polarity effector complex subunit 1; minus strand). Cytogenetic location: 5p13.2.
Variant type: single nucleotide variant.
Coding change: c.6414C>A on transcript NM_001384732.1 (MANE Select); coding-DNA position 6414, C replaced by A.
Protein change: p.Cys2138Ter; replaces cysteine 2138 with a stop codon.
Molecular consequence: nonsense.
Genome position (GRCh38, 1-based): chr5:37,170,089, G>T on the plus strand (C>A on the coding strand, the complement: CPLANE1 is on the minus strand). VCF-style: chr5-37170089-G-T. GRCh37 (hg19) VCF-style: chr5-37170191-G-T.
Other names: c.6414C>A, p.Cys2138Ter (NM_023073.4); short protein forms C2138*.
Identifiers: ClinVar variation 5006896 (VCV005006896.2).

ClinVar aggregate classification (germline): Likely pathogenic (1 of 4 stars; one submission).

Conditions:
Joubert syndrome 17 (JBTS17). Identifiers: Orphanet 475, MedGen C3553264, MONDO:0013824, OMIM 614615.
Orofaciodigital syndrome type 6 (OFD6). Also called: OROFACIODIGITAL SYNDROME VI; OFDS VI; POLYDACTYLY, CLEFT LIP/PALATE OR LINGUAL LUMP, AND PSYCHOMOTOR RETARDATION; VARADI SYNDROME; VARADI-PAPP SYNDROME; Oral-facial-digital syndrome type 6. Identifiers: Orphanet 2754, MedGen C2745997, MONDO:0010176, OMIM 277170.

Submission:

Juno Genomics, Hangzhou Juno Genomics, Inc
Classification: Likely pathogenic for Joubert syndrome 17; Orofaciodigital syndrome type 6. Review status: criteria provided, single submitter. Criteria: ACMG Guidelines, 2015. Collection method: clinical testing. Allele origin: germline.
Comment: Null variant in a gene where loss of function (LOF) is a known mechanism of disease.;Absent from controls (or at extremely low frequency if recessive) in Genome Aggregation Database.